The following is an entry in ClinVar:

NM_000051.4(ATM):c.50A>G (p.His17Arg)

Gene: ATM (ATM serine/threonine kinase; plus strand). Cytogenetic location: 11q22.3.
Variant type: single nucleotide variant.
Coding change: c.50A>G on transcript NM_000051.4 (MANE Select); coding-DNA position 50, A replaced by G.
Protein change: p.His17Arg; replaces histidine 17 with arginine.
Molecular consequence: missense variant.
Genome position (GRCh38, 1-based): chr11:108,227,674, A>G. VCF-style: chr11-108227674-A-G. GRCh37 (hg19) VCF-style: chr11-108098401-A-G.
Other names: c.50A>G, p.His17Arg (NM_001351834.2, NM_001351835.2, NM_001351836.2); short protein forms H17R.
Identifiers: ClinVar variation 921708 (VCV000921708.18), dbSNP rs1242444722, ClinGen allele CA382519213.

ClinVar aggregate classification (germline): Uncertain significance. Review status: criteria provided, multiple submitters, no conflicts (2 of 4 stars). 6 submissions from 6 submitters: Uncertain significance (5). 1 of the submissions does not count toward it. Last evaluated 2025-08-25.

Conditions:
Ataxia-telangiectasia syndrome (AT). Also called: Ataxia telangiectasia (A-T); Cerebello-oculocutaneous telangiectasia; Immunodeficiency with ataxia telangiectasia; Ataxia-telangiectasia; Ataxia-telangiectasia, complementation group D; AT, COMPLEMENTATION GROUP C. Identifiers: Orphanet 100, MedGen C0004135, MONDO:0008840, OMIM 208900.
Hereditary cancer-predisposing syndrome. Also called: Tumor predisposition; Neoplastic Syndromes, Hereditary; Hereditary neoplastic syndrome; Hereditary Cancer Syndrome. Identifiers: Orphanet 140162, MedGen C0027672, MeSH D009386, MONDO:0015356.
Familial cancer of breast. Also called: Hereditary breast cancer; BREAST CANCER, FAMILIAL; hereditary breast carcinoma. Identifiers: Orphanet 227535, MedGen C0346153, MONDO:0016419, OMIM 114480. Disease mechanism: loss of function.

Allele frequency attached by ClinVar (database versions not stated): gnomAD exomes below 0.00001.
gnomAD v4.1: 2 of 1,613,864 alleles (0.00012%); highest among the groups gnomAD compares: South Asian, 0.0011%; no homozygotes.

Submissions (6):

Labcorp Genetics (formerly Invitae), Labcorp
Classification: Uncertain significance for Ataxia-telangiectasia syndrome. Last evaluated: 2025-08-25. Review status: criteria provided, single submitter. Criteria: Invitae Variant Classification Sherloc (09022015). Collection method: clinical testing. Allele origin: germline.
Comment: This sequence change replaces histidine, which is basic and polar, with arginine, which is basic and polar, at codon 17 of the ATM protein (p.His17Arg). This variant is present in population databases (no rsID available, gnomAD 0.0009%). This variant has not been reported in the literature in individuals affected with ATM-related conditions. ClinVar contains an entry for this variant (Variation ID: 921708). Invitae Evidence Modeling of protein sequence and biophysical properties (such as structural, functional, and spatial information, amino acid conservation, physicochemical variation, residue mobility, and thermodynamic stability) indicates that this missense variant is not expected to disrupt ATM protein function with a negative predictive value of 95%. In summary, the available evidence is currently insufficient to determine the role of this variant in disease. Therefore, it has been classified as a Variant of Uncertain Significance.

Ambry Genetics
Classification: Uncertain significance for Hereditary cancer-predisposing syndrome. Last evaluated: 2025-05-18. Review status: criteria provided, single submitter. Criteria: Ambry Variant Classification Scheme 2023. Collection method: clinical testing. Allele origin: germline.
Comment: The p.H17R variant (also known as c.50A>G), located in coding exon 1 of the ATM gene, results from an A to G substitution at nucleotide position 50. The histidine at codon 17 is replaced by arginine, an amino acid with highly similar properties. This amino acid position is conserved. In addition, this alteration is predicted to be tolerated by in silico analysis. Since supporting evidence is limited at this time, the clinical significance of this alteration remains unclear.

Baylor Genetics
Classification: Uncertain significance for Familial cancer of breast. Last evaluated: 2024-03-17. Review status: criteria provided, single submitter. Criteria: ACMG Guidelines, 2015. Collection method: clinical testing. Allele origin: unknown.

Color Diagnostics, LLC DBA Color Health
Classification: Uncertain significance for Hereditary cancer-predisposing syndrome. Last evaluated: 2024-03-06. Review status: criteria provided, single submitter. Criteria: ACMG Guidelines, 2015. Collection method: clinical testing. Allele origin: germline.
Comment: This missense variant replaces histidine with arginine at codon 17 of the ATM protein. Computational prediction suggests that this variant may not impact protein structure and function (internally defined REVEL score threshold <= 0.5, PMID: 27666373). To our knowledge, functional studies have not been reported for this variant. This variant has not been reported in individuals affected with ATM-related disorders in the literature. This variant has been identified in 1/251394 chromosomes in the general population by the Genome Aggregation Database (gnomAD). The available evidence is insufficient to determine the role of this variant in disease conclusively. Therefore, this variant is classified as a Variant of Uncertain Significance.

Blueprint Genetics
Classification: Uncertain significance. Last evaluated: 2017-06-14. Review status: criteria provided, single submitter. Criteria: ACMG Guidelines, 2015. Collection method: clinical testing. Allele origin: germline.

Natera, Inc.
Classification: Uncertain significance for Ataxia-telangiectasia. Last evaluated: 2020-04-11. Review status: no assertion criteria provided. Collection method: clinical testing. Allele origin: germline. Not counted in ClinVar's aggregate classification.